The following is an entry in ClinVar:

ClinVar aggregate classification (germline): Conflicting classifications of pathogenicity. Review status: criteria provided, conflicting classifications (1 of 4 stars). 2 submissions from 2 submitters: Uncertain significance (1); Likely benign (1). Last evaluated 2026-09-01.

Conditions:
Neurodevelopmental disorder with or without variable movement or behavioral abnormalities (NEDMAB). Identifiers: MedGen C5676908, MONDO:0859225, OMIM 619725.

Allele frequency attached by ClinVar (database versions not stated): 1000 Genomes Project 0.00020; gnomAD 0.00025; TOPMed 0.00025; 1000 Genomes Project 30x 0.00031.
gnomAD v4.1: 154 of 466,008 alleles (0.033%); highest among the groups gnomAD compares: Middle Eastern, 0.16%; 1 homozygote.

Submissions (2):

CeGaT Center for Human Genetics Tuebingen
Classification: Likely benign. Last evaluated: 2026-09-01. Review status: criteria provided, single submitter. Criteria: CeGaT Center For Human Genetics Tuebingen Variant Classification Criteria Version 2. Collection method: clinical testing. Allele origin: germline. Affected: yes. Observed: 3 variant alleles.
Comment: KCNN2: BS1

Neuberg Centre For Genomic Medicine, NCGM
Classification: Uncertain significance for Neurodevelopmental disorder with or without variable movement or behavioral abnormalities. Review status: criteria provided, single submitter. Criteria: ACMG Guidelines, 2015. Collection method: clinical testing. Allele origin: germline. Inheritance: Autosomal dominant inheritance. Affected: yes.
Comment: The missense c.353C>Tp.Ser118Leu variant in KCNN2 gene has not been reported previously as a pathogenic variant nor as a benign variant, to our knowledge. The p.Ser118Leu variant has been reported with allele frequency of 0.01% in gnomAD Exomes and is novel not in any individuals in 1000 Genomes database. This variant has not been reported to the ClinVar database. The amino acid change p.Ser118Leu in KCNN2 is predicted as conserved by GERP++ and PhyloP across 100 vertebrates. The amino acid Ser at position 118 is changed to a Leu changing protein sequence and it might alter its composition and physico-chemical properties. For these reasons, this variant has been classified as Variant of Uncertain Significance VUS.

NM_021614.4(KCNN2):c.353C>T (p.Ser118Leu)

Gene: KCNN2 (potassium calcium-activated channel subfamily N member 2; plus strand). Cytogenetic location: 5q22.3.
Variant type: single nucleotide variant.
Coding change: c.353C>T on transcript NM_021614.4 (MANE Select); coding-DNA position 353, C replaced by T.
Protein change: p.Ser118Leu; replaces serine 118 with leucine.
Molecular consequence: missense variant. On other transcripts: non-coding transcript variant (1).
Genome position (GRCh38, 1-based): chr5:114,362,492, C>T. VCF-style: chr5-114362492-C-T. GRCh37 (hg19) VCF-style: chr5-113698189-C-T.
Other names: c.551C>T, p.Ser184Leu (NM_001372233.1); short protein forms S118L, S184L.
Identifiers: ClinVar variation 3234928 (VCV003234928.5), dbSNP rs544525765, ClinGen allele CA125659886.